The following is an entry in ClinVar:

ClinVar aggregate classification (germline): Uncertain significance (1 of 4 stars; one submission).

Conditions:
SEMA3B-related disorder. Also called: SEMA3B-related condition.

Allele frequency attached by ClinVar (database versions not stated): gnomAD exomes 0.00001.

Submission:

PreventionGenetics, part of Exact Sciences
Classification: Uncertain significance for SEMA3B-related condition. Last evaluated: 2026-03-24. Review status: criteria provided, single submitter. Criteria: ACMG Guidelines, 2015. Collection method: clinical testing. Allele origin: germline.
Comment: The SEMA3B c.1519delG variant is predicted to result in premature protein termination (p.Val507*). To our knowledge, this variant has not been reported in the literature. This variant is reported in 0.010% of alleles in individuals of Latino descent in gnomAD. Loss-of-function has not been established as a disease mechanism for this gene, and therefore the clinical significance of this variant is currently uncertain due to the absence of conclusive functional and genetic evidence.

NM_001290060.2(SEMA3B):c.1504del (p.Tyr501_Val502insTer)

Gene: SEMA3B (semaphorin 3B; plus strand). Cytogenetic location: 3p21.31.
Variant type: Deletion.
Coding change: c.1504del on transcript NM_001290060.2 (MANE Select); coding-DNA position 1504, one base deleted (G; older notation c.1504delG).
Protein change: p.Tyr501_Val502insTer.
Molecular consequence: nonsense.
Genome position (GRCh38, 1-based): chr3:50,275,314, G deleted. VCF-style (leftmost placement, unchanged base first): chr3-50275313-CG-C. GRCh37 (hg19) VCF-style: chr3-50312744-CG-C.
Other names: c.1501del, p.Tyr500_Val501insTer (NM_001005914.3); c.1519del, p.Tyr506_Val507insTer (NM_001290061.1); c.475del, p.Tyr158_Val159insTer (NM_001290062.2, NM_001290063.2); c.1504del, p.Tyr501_Val502insTer (NM_004636.4); c.1519delG (NM_001290061.1).
Identifiers: ClinVar variation 2629481 (VCV002629481.2), dbSNP rs1559790530, ClinGen allele CA543053025.
Genomic context (GRCh38, chr3:50,275,313, plus strand): 5'-CAGGCGTGGGGTCGCCCTCGGTCAGCCCAGAGCCCCTCGTGCCCCCTAGCACCAGCTGTA[CG>C]TAGCCTCGCGGAGCGCGGTGGCCCAGATCGCGTTGCACCGCTGCGCTGCCCACGGCCGCG-3'